The following is an entry in ClinVar:

NM_001365999.1(SZT2):c.194C>G (p.Pro65Arg)

Gene: SZT2 (SZT2 subunit of KICSTOR complex; plus strand). Cytogenetic location: 1p34.2.
Variant type: single nucleotide variant.
Coding change: c.194C>G on transcript NM_001365999.1 (MANE Select); coding-DNA position 194, C replaced by G.
Protein change: p.Pro65Arg; replaces proline 65 with arginine.
Molecular consequence: missense variant.
Genome position (GRCh38, 1-based): chr1:43,403,641, C>G. VCF-style: chr1-43403641-C-G. GRCh37 (hg19) VCF-style: chr1-43869312-C-G.
Other names: c.194C>G, p.Pro65Arg (NM_015284.4); short protein forms P65R.
Identifiers: ClinVar variation 1693385 (VCV001693385.2), dbSNP rs2153929673, ClinGen allele CA339995809.

ClinVar aggregate classification (germline): Uncertain significance (1 of 4 stars; one submission).

Submission:

GeneDx
Classification: Uncertain significance. Last evaluated: 2022-06-21. Review status: criteria provided, single submitter. Criteria: GeneDx Variant Classification Process June 2021. Collection method: clinical testing. Allele origin: germline. Affected: yes.
Comment: Not observed at significant frequency in large population cohorts (gnomAD); In silico analysis supports that this missense variant has a deleterious effect on protein structure/function; Has not been previously published as pathogenic or benign to our knowledge